The following is an entry in ClinVar:

ClinVar aggregate classification (germline): Pathogenic/Likely pathogenic. Review status: criteria provided, multiple submitters, no conflicts (2 of 4 stars). 2 submissions from 2 submitters: Pathogenic (1); Likely pathogenic (1). Last evaluated 2023-08-10.

Conditions:
Bloom syndrome (BLM). Also called: Bloom-Torre-Machacek syndrome. Identifiers: Orphanet 125, MedGen C0005859, MONDO:0008876, OMIM 210900.

Submissions (2):

Baylor Genetics
Classification: Likely pathogenic for Bloom syndrome. Last evaluated: 2023-08-10. Review status: criteria provided, single submitter. Criteria: ACMG Guidelines, 2015. Collection method: clinical testing. Allele origin: unknown.

Labcorp Genetics (formerly Invitae), Labcorp
Classification: Pathogenic for Bloom syndrome. Last evaluated: 2022-07-01. Review status: criteria provided, single submitter. Criteria: Invitae Variant Classification Sherloc (09022015). Collection method: clinical testing. Allele origin: germline.
Comment: ClinVar contains an entry for this variant (Variation ID: 1455829). For these reasons, this variant has been classified as Pathogenic. This variant has not been reported in the literature in individuals affected with BLM-related conditions. This variant is not present in population databases (gnomAD no frequency). This sequence change creates a premature translational stop signal (p.Val286Phefs*37) in the BLM gene. It is expected to result in an absent or disrupted protein product. Loss-of-function variants in BLM are known to be pathogenic (PMID: 17407155).

Literature cited by the submitters: PubMed 17407155 (cited by Labcorp Genetics (formerly Invitae), Labcorp).

NM_000057.4(BLM):c.855del (p.Val286fs)

Gene: BLM (BLM RecQ like helicase; plus strand). Cytogenetic location: 15q26.1.
Variant type: Deletion.
Coding change: c.855del on transcript NM_000057.4 (MANE Select); coding-DNA position 855, one base deleted (A; older notation c.855delA).
Protein change: p.Val286fs; shifts the reading frame from valine 286.
Molecular consequence: frameshift variant. On other transcripts: 5 prime UTR variant (1).
Genome position (GRCh38, 1-based): chr15:90,751,842, A deleted; the last of 3 consecutive A bases (chr15:90,751,840-90,751,842); deleting any one gives the same sequence. VCF-style (leftmost placement, unchanged base first): chr15-90751839-GA-G. GRCh37 (hg19) VCF-style: chr15-91295069-GA-G.
Other names: c.855del, p.Val286fs (NM_001287246.2, NM_001287247.2); c.-437del (NM_001287248.2); short protein forms V286fs.
Identifiers: ClinVar variation 1455829 (VCV001455829.7), dbSNP rs2151149598, ClinGen allele CA2573151391.
Genomic context (GRCh38, chr15:90,751,839, plus strand): 5'-TACTGTAGATAATAGCGAAAAGAAGAAGAATTTGGAAGAAGCTGAATTACATTCAACTGA[GA>G]AAGTTCCATGTATTGAATTTGATGATGATGATTATGATACGGATTTTGTTCCACCTTCTC-3'